The following is an entry in ClinVar:

NM_000255.4(MMUT):c.1531C>T (p.Arg511Ter)

Gene: MMUT (methylmalonyl-CoA mutase; minus strand). Cytogenetic location: 6p12.3.
Variant type: single nucleotide variant.
Coding change: c.1531C>T on transcript NM_000255.4 (MANE Select); coding-DNA position 1531, C replaced by T.
Protein change: p.Arg511Ter; replaces arginine 511 with a stop codon.
Molecular consequence: nonsense.
Genome position (GRCh38, 1-based): chr6:49,447,699, G>A on the plus strand (C>T on the coding strand, the complement: MMUT is on the minus strand). VCF-style: chr6-49447699-G-A. GRCh37 (hg19) VCF-style: chr6-49415412-G-A.
Other names: short protein forms R511*.
Identifiers: ClinVar variation 556124 (VCV000556124.22), dbSNP rs761525156, ClinGen allele CA3846855.

ClinVar aggregate classification (germline): Pathogenic. Review status: criteria provided, multiple submitters, no conflicts (2 of 4 stars). 8 submissions from 8 submitters: Pathogenic (7). 1 of the submissions does not count toward it. Last evaluated 2024-08-14.

Conditions:
Methylmalonic aciduria due to methylmalonyl-CoA mutase deficiency (MAMM). Also called: Methylmalonic aciduria, mut type. Identifiers: Orphanet 27, MedGen C1855114, MONDO:0009612, OMIM 251000.
Methylmalonic acidemia (MMA). Also called: Isolated Methylmalonic Acidemia. Identifiers: MedGen C0268583, MeSH C537358, MONDO:0002012, HP:0002912.
Methylmalonic aciduria due to complete methylmalonyl-CoA mutase deficiency.

Allele frequency attached by ClinVar (database versions not stated): gnomAD exomes below 0.00001; ExAC 0.00001; gnomAD 0.00002; TOPMed 0.00002.

Submissions (8):

Natera, Inc.
Classification: Pathogenic for Methylmalonic aciduria due to complete methylmalonyl-CoA mutase deficiency. Last evaluated: 2024-08-14. Review status: criteria provided, single submitter. Criteria: Natera Variant Classification Schema (03/2026). Collection method: clinical testing. Allele origin: germline.
Comment: The c.1531C>T variant in MMUT is a nonsense variant predicted to introduce a stop codon at amino acid 511. This variant is expected to result in nonsense mediated decay, truncation, or a dysfunctional protein product. This variant is rare in the general population with a frequency below the threshold expected for the associated phenotype(s). This variant has been observed in one or more individuals affected with the associated recessive disease, as either homozygous or compound heterozygous with a second variant (PMID: 27167370). Given the available evidence, this variant is classified as Pathogenic.

Labcorp Genetics (formerly Invitae), Labcorp
Classification: Pathogenic. Last evaluated: 2024-04-01. Review status: criteria provided, single submitter. Criteria: Invitae Variant Classification Sherloc (09022015). Collection method: clinical testing. Allele origin: germline.
Comment: This sequence change creates a premature translational stop signal (p.Arg511*) in the MUT gene. It is expected to result in an absent or disrupted protein product. Loss-of-function variants in MUT are known to be pathogenic (PMID: 15781192). The frequency data for this variant in the population databases is considered unreliable, as metrics indicate poor data quality at this position in the gnomAD database. This premature translational stop signal has been observed in individual(s) with methylmalonic aciduria (PMID: 15643616, 16281286, 26454439, 27167370, 27591164). ClinVar contains an entry for this variant (Variation ID: 556124). For these reasons, this variant has been classified as Pathogenic.

Laboratory of Medical Genetics, National & Kapodistrian University of Athens
Classification: Pathogenic for Methylmalonic aciduria due to methylmalonyl-CoA mutase deficiency. Last evaluated: 2024-02-01. Review status: criteria provided, single submitter. Criteria: ACMG Guidelines, 2015. Collection method: curation. Allele origin: germline. Affected: no.

Elsea Laboratory, Baylor College of Medicine
Classification: Pathogenic for Methylmalonic aciduria due to methylmalonyl-CoA mutase deficiency. Last evaluated: 2020-04-01. Review status: criteria provided, single submitter. Criteria: ACMG Guidelines, 2015. Collection method: clinical testing. Allele origin: germline. Affected: yes.

Mendelics
Classification: Pathogenic for Methylmalonic aciduria due to methylmalonyl-CoA mutase deficiency. Last evaluated: 2019-05-28. Review status: criteria provided, single submitter. Criteria: Mendelics Assertion Criteria 2017. Collection method: clinical testing. Allele origin: unknown.

Centre for Mendelian Genomics, University Medical Centre Ljubljana
Classification: Pathogenic. Last evaluated: 2018-11-18. Review status: criteria provided, single submitter. Criteria: ACMG Guidelines, 2015. Collection method: clinical testing. Allele origin: unknown. Affected: yes.
Comment: This variant was classified as: Pathogenic. The following ACMG criteria were applied in classifying this variant: PVS1,PM2,PP3.

Women's Health and Genetics/Laboratory Corporation of America, LabCorp
Classification: Pathogenic for Methylmalonic acidemia. Last evaluated: 2018-07-19. Review status: criteria provided, single submitter. Criteria: LabCorp Variant Classification Summary - May 2015. Collection method: clinical testing. Allele origin: germline.
Comment: Variant summary: MUT c.1531C>T (p.Arg511X) results in a premature termination codon, predicted to cause a truncation of the encoded protein or absence of the protein due to nonsense mediated decay, which are commonly known mechanisms for disease. Truncations downstream of this position have not been classified by our laboratory, however, they have been classified as pathogenic in ClinVar (eg. c.1975C>T/p.Gln659Ter, c.2078delG/p.Gly693Aspfs). The variant allele was found at a frequency of 8.3e-06 in 119944 control chromosomes. c.1531C>T has been reported in the literature in multiple individuals affected with Methylmalonic Acidemia, including as a homozygous allele. These data indicate that the variant is very likely to be associated with disease. At least one publication reports experimental evidence evaluating MUT activity, which showed activity levels <10% of normal activity. No clinical diagnostic laboratories have submitted clinical-significance assessments for this variant to ClinVar after 2014. Based on the evidence outlined above, the variant was classified as pathogenic.

Counsyl
Classification: Pathogenic for Methylmalonic aciduria due to methylmalonyl-CoA mutase deficiency. Last evaluated: 2018-01-15. Review status: no assertion criteria provided. Collection method: clinical testing. Allele origin: unknown. Not counted in ClinVar's aggregate classification.

Literature cited by the submitters: PubMed 27167370 (cited by Natera, Inc. and Labcorp Genetics (formerly Invitae), Labcorp); PubMed 15781192 (cited by Labcorp Genetics (formerly Invitae), Labcorp); PubMed 15643616 (cited by Labcorp Genetics (formerly Invitae), Labcorp and Women's Health and Genetics/Laboratory Corporation of America, LabCorp); PubMed 16281286 (cited by Labcorp Genetics (formerly Invitae), Labcorp and Counsyl); PubMed 26454439 (cited by Labcorp Genetics (formerly Invitae), Labcorp); PubMed 27591164 (cited by Labcorp Genetics (formerly Invitae), Labcorp).